The following is an entry in ClinVar:

ClinVar aggregate classification (germline): Uncertain significance. Review status: criteria provided, multiple submitters, no conflicts (2 of 4 stars). 2 submissions from 2 submitters: Uncertain significance (2). Last evaluated 2021-08-30.

Conditions:
Primary ciliary dyskinesia. Also called: Ciliary dyskinesia. Identifiers: Orphanet 244, MedGen C0008780, MONDO:0016575, HP:0012265.

Allele frequency attached by ClinVar (database versions not stated): TOPMed 0.00010; gnomAD 0.00014; ESP Exome Variant Server 0.00015; 1000 Genomes Project 30x 0.00031; 1000 Genomes Project 0.00040.
gnomAD v4.1: 33 of 1,613,670 alleles (0.002%); highest among the groups gnomAD compares: African/African-American, 0.032%; no homozygotes.

Submissions (2):

Labcorp Genetics (formerly Invitae), Labcorp
Classification: Uncertain significance for Primary ciliary dyskinesia. Last evaluated: 2021-08-30. Review status: criteria provided, single submitter. Criteria: Invitae Variant Classification Sherloc (09022015). Collection method: clinical testing. Allele origin: germline.
Comment: This sequence change replaces asparagine with serine at codon 295 of the DNAAF5 protein (p.Asn295Ser). The asparagine residue is weakly conserved and there is a small physicochemical difference between asparagine and serine. This variant is present in population databases (rs377147369, ExAC 0.03%). This variant has not been reported in the literature in individuals affected with DNAAF5-related conditions. Algorithms developed to predict the effect of missense changes on protein structure and function output the following: SIFT: "Tolerated"; PolyPhen-2: "Benign"; Align-GVGD: "Class C0". The serine amino acid residue is found in multiple mammalian species, which suggests that this missense change does not adversely affect protein function. In summary, the available evidence is currently insufficient to determine the role of this variant in disease. Therefore, it has been classified as a Variant of Uncertain Significance.

Ambry Genetics
Classification: Uncertain significance for Primary ciliary dyskinesia. Last evaluated: 2016-08-10. Review status: criteria provided, single submitter. Criteria: Ambry Variant Classification Scheme 2023. Collection method: clinical testing. Allele origin: germline.
Comment: The p.N295S variant (also known as c.884A>G), located in coding exon 3 of the DNAAF5 gene, results from an A to G substitution at nucleotide position 884. The asparagine at codon 295 is replaced by serine, an amino acid with highly similar properties. This variant was previously reported in the SNPDatabase as rs377147369. Allele frequency data for this nucleotide position is not currently available from the 1000 Genomes Project. Based on data from the NHLBI Exome Sequencing Project (ESP), the G allele has an overall frequency of approximately 0.02% (2/13006) total alleles studied, having been observed in 0.05% (2/4406) African American alleles. This amino acid position is poorly conserved in available vertebrate species. In addition, this alteration is predicted to be tolerated by in silico analysis. Since supporting evidence is limited at this time, the clinical significance of this alteration remains unclear.

NM_017802.4(DNAAF5):c.884A>G (p.Asn295Ser)

Gene: DNAAF5 (dynein axonemal assembly factor 5; plus strand). Cytogenetic location: 7p22.3.
Variant type: single nucleotide variant.
Coding change: c.884A>G on transcript NM_017802.4 (MANE Select); coding-DNA position 884, A replaced by G.
Protein change: p.Asn295Ser; replaces asparagine 295 with serine.
Molecular consequence: missense variant. On other transcripts: non-coding transcript variant (1).
Genome position (GRCh38, 1-based): chr7:740,922, A>G. VCF-style: chr7-740922-A-G. GRCh37 (hg19) VCF-style: chr7-780559-A-G.
Other names: short protein forms N295S.
Identifiers: ClinVar variation 454870 (VCV000454870.9), dbSNP rs377147369, ClinGen allele CA4110495.